The following is an entry in ClinVar:

NM_015450.3(POT1):c.341T>A (p.Ile114Asn)

Gene: POT1 (protection of telomeres 1; minus strand). Cytogenetic location: 7q31.33.
Variant type: single nucleotide variant.
Coding change: c.341T>A on transcript NM_015450.3 (MANE Select); coding-DNA position 341, T replaced by A.
Protein change: p.Ile114Asn; replaces isoleucine 114 with asparagine.
Molecular consequence: missense variant. On other transcripts: 5 prime UTR variant (1), non-coding transcript variant (3).
Genome position (GRCh38, 1-based): chr7:124,863,555, A>T on the plus strand (T>A on the coding strand, the complement: POT1 is on the minus strand). VCF-style: chr7-124863555-A-T. GRCh37 (hg19) VCF-style: chr7-124503609-A-T.
Other names: c.-53T>A (NM_001042594.2); short protein forms I114N.
Identifiers: ClinVar variation 2136609 (VCV002136609.4), dbSNP rs2485481010, ClinGen allele CA369060033.

ClinVar aggregate classification (germline): Uncertain significance (1 of 4 stars; one submission).

Conditions:
Tumor predisposition syndrome 3 (TPDS3). Also called: Melanoma, cutaneous malignant, susceptibility to, 10; Glioma susceptibility 9; LONG TELOMERE SYNDROME, POT1-RELATED; POT1 Tumor Predisposition. Identifiers: Orphanet 618, MedGen C4014476, MONDO:0014368, OMIM 615848.

Submission:

Labcorp Genetics (formerly Invitae), Labcorp
Classification: Uncertain significance for Tumor predisposition syndrome 3. Last evaluated: 2022-04-23. Review status: criteria provided, single submitter. Criteria: Invitae Variant Classification Sherloc (09022015). Collection method: clinical testing. Allele origin: germline.
Comment: This variant is not present in population databases (gnomAD no frequency). This sequence change replaces isoleucine, which is neutral and non-polar, with asparagine, which is neutral and polar, at codon 114 of the POT1 protein (p.Ile114Asn). In summary, the available evidence is currently insufficient to determine the role of this variant in disease. Therefore, it has been classified as a Variant of Uncertain Significance. Algorithms developed to predict the effect of missense changes on protein structure and function are either unavailable or do not agree on the potential impact of this missense change (SIFT: "Deleterious"; PolyPhen-2: "Benign"; Align-GVGD: "Class C0"). This missense change has been observed in individual(s) with melanoma (PMID: 24686846).

Literature cited by the submitters: PubMed 24686846.